The following is an entry in ClinVar:

NM_001323289.2(CDKL5):c.854G>A (p.Arg285Lys)

Gene: CDKL5 (cyclin dependent kinase like 5; plus strand). Cytogenetic location: Xp22.13.
Variant type: single nucleotide variant.
Coding change: c.854G>A on transcript NM_001323289.2 (MANE Select); coding-DNA position 854, G replaced by A.
Protein change: p.Arg285Lys; replaces arginine 285 with lysine.
Molecular consequence: missense variant.
Genome position (GRCh38, 1-based): chrX:18,598,490, G>A. VCF-style: chrX-18598490-G-A. GRCh37 (hg19) VCF-style: chrX-18616610-G-A.
Other names: c.854G>A, p.Arg285Lys (NM_001037343.2, NM_003159.3); short protein forms R285K.
Identifiers: ClinVar variation 422272 (VCV000422272.12), dbSNP rs1064795672, ClinGen allele CA16621272.

ClinVar aggregate classification (germline): Pathogenic/Likely pathogenic. Review status: criteria provided, multiple submitters, no conflicts (2 of 4 stars). 2 submissions from 2 submitters: Pathogenic (1); Likely pathogenic (1). Last evaluated 2020-01-28.

Conditions:
Developmental and epileptic encephalopathy, 2 (DEE2). Also called: INFANTILE SPASM SYNDROME, X-LINKED 2; CDKL5 deficiency disorder. Identifiers: Orphanet 1934, Orphanet 3451, Orphanet 505652, MedGen C4750718, MONDO:0010396, OMIM 300672.
Angelman syndrome-like. Identifiers: MedGen CN128785.

Submissions (2):

Labcorp Genetics (formerly Invitae), Labcorp
Classification: Pathogenic for Developmental and epileptic encephalopathy, 2; Angelman syndrome-like. Last evaluated: 2020-01-28. Review status: criteria provided, single submitter. Criteria: Invitae Variant Classification Sherloc (09022015). Collection method: clinical testing. Allele origin: germline.
Comment: Algorithms developed to predict the effect of missense changes on protein structure and function are either unavailable or do not agree on the potential impact of this missense change (SIFT: "Deleterious"; PolyPhen-2: "Possibly Damaging"; Align-GVGD: "Class C0"). For these reasons, this variant has been classified as Pathogenic. This variant disrupts the p.Arg285 amino acid residue in CDKL5. Other variant(s) that disrupt this residue have been determined to be pathogenic (PMID: 29264392, Invitae). This suggests that this residue is clinically significant, and that variants that disrupt this residue are likely to be disease-causing. This variant has been observed in individual(s) with clinical features of CDKL5-related conditions (Invitae). In at least one individual the variant was observed to be de novo. ClinVar contains an entry for this variant (Variation ID: 422272). This variant is not present in population databases (ExAC no frequency). This sequence change replaces arginine with lysine at codon 285 of the CDKL5 protein (p.Arg285Lys). The arginine residue is highly conserved and there is a small physicochemical difference between arginine and lysine.

GeneDx
Classification: Likely pathogenic. Last evaluated: 2016-09-20. Review status: criteria provided, single submitter. Criteria: GeneDx Variant Classification (06012015). Collection method: clinical testing. Allele origin: germline. Affected: yes.
Comment: A novel R285K variant that is likely pathogenic has been identified in the CDKL5 gene. The R285K variant has not been published as a pathogenic variant, nor has it been reported as a benign variant to our knowledge. A different missense substitution at the same position (R285S) has been reported in an individual with early-onset epileptic encephalopathy and developmental delay (Moseley et al., 2012). The R285K variant was not observed in approximately 6,500 individuals of European and African American ancestry in the NHLBI Exome Sequencing Project, indicating it is not a common benign variant in these populations. Additionally, this substitution occurs at a position that is conserved across species, and in silico analysis predicts this variant is probably damaging to the protein structure/function. Furthermore, a missense variant in a nearby residue (T288I) has been reported in the Human Gene Mutation Database in association with a CDKL5-related disorder (Stenson et al., 2014). However, the R285K variant is a conservative amino acid substitution, which is not likely to impact secondary protein structure as these residues share similar properties. Therefore, this variant is likely pathogenic; however, the possibility that it is benign cannot be excluded.

Literature cited by the submitters: PubMed 29264392 (cited by Labcorp Genetics (formerly Invitae), Labcorp).